The following is an entry in ClinVar:

NM_007272.3(CTRC):c.353T>G (p.Leu118Trp)

Gene: CTRC (chymotrypsin C; plus strand). Cytogenetic location: 1p36.21.
Variant type: single nucleotide variant.
Coding change: c.353T>G on transcript NM_007272.3 (MANE Select); coding-DNA position 353, T replaced by G.
Protein change: p.Leu118Trp; replaces leucine 118 with tryptophan.
Molecular consequence: missense variant.
Genome position (GRCh38, 1-based): chr1:15,442,569, T>G. VCF-style: chr1-15442569-T-G. GRCh37 (hg19) VCF-style: chr1-15769065-T-G.
Other names: short protein forms L118W.
Identifiers: ClinVar variation 1732459 (VCV001732459.2), dbSNP rs2526294820, ClinGen allele CA338565758.

ClinVar aggregate classification (germline): Uncertain significance (1 of 4 stars; one submission).

Conditions:
Hereditary pancreatitis (PCTT). Also called: Hereditary chronic pancreatitis; PRSS1-Related Hereditary Pancreatitis. Identifiers: Orphanet 676, MedGen C0238339, MONDO:0008185, OMIM 167800.

Submission:

Ambry Genetics
Classification: Uncertain significance for Hereditary pancreatitis. Last evaluated: 2021-09-04. Review status: criteria provided, single submitter. Criteria: Ambry Variant Classification Scheme 2023. Collection method: clinical testing. Allele origin: germline.
Comment: The p.L118W variant (also known as c.353T>G), located in coding exon 4 of the CTRC gene, results from a T to G substitution at nucleotide position 353. The leucine at codon 118 is replaced by tryptophan, an amino acid with similar properties. This amino acid position is conserved. In addition, this alteration is predicted to be tolerated by in silico analysis. Since supporting evidence is limited at this time, the clinical significance of this alteration remains unclear.